The following is an entry in ClinVar:

ClinVar aggregate classification (germline): Likely benign (1 of 4 stars; one submission).

Submission:

CeGaT Center for Human Genetics Tuebingen
Classification: Likely benign. Last evaluated: 2025-08-01. Review status: criteria provided, single submitter. Criteria: CeGaT Center For Human Genetics Tuebingen Variant Classification Criteria Version 2. Collection method: clinical testing. Allele origin: germline. Affected: yes. Observed: 1 variant allele.
Comment: GPC3: PM2:Supporting, BP4, BP7

NM_004484.4(GPC3):c.508T>C (p.Leu170=)

Gene: GPC3 (glypican 3; minus strand). Cytogenetic location: Xq26.2.
Variant type: single nucleotide variant.
Coding change: c.508T>C on transcript NM_004484.4 (MANE Select); coding-DNA position 508, T replaced by C.
Protein change: p.Leu170=; no amino-acid change (leucine 170 retained).
Molecular consequence: synonymous variant.
Genome position (GRCh38, 1-based): chrX:133,754,006, A>G on the plus strand (T>C on the coding strand, the complement: GPC3 is on the minus strand). VCF-style: chrX-133754006-A-G. GRCh37 (hg19) VCF-style: chrX-132888033-A-G.
Other names: c.508T>C, p.Leu170= (NM_001164617.2); c.460T>C, p.Leu154= (NM_001164618.2); c.346T>C, p.Leu116= (NM_001164619.2).
Identifiers: ClinVar variation 4084765 (VCV004084765.8).
Genomic context (GRCh38, chrX:133,754,006, plus strand): 5'-AATCAGGCAGGCCTGGGTTCATTAGCTGGGTATAGATGACTGGAAACAGGCTGTCAAACA[A>G]TTCATTGACCATGTCATCTACATTGATGTCAGAACCCAAGATGTAGAGAGACACATCTGT-3'
Protein context (NP_004475.1, residues 160-180): DINVDDMVNE[Leu170=]FDSLFPVIYT